The following is an entry in ClinVar:

ClinVar aggregate classification (germline): Uncertain significance (1 of 4 stars; one submission).

Submission:

Ambry Genetics
Classification: Uncertain significance. Last evaluated: 2022-07-19. Review status: criteria provided, single submitter. Criteria: Ambry Variant Classification Scheme 2023. Collection method: clinical testing. Allele origin: germline.
Comment: The p.N429I variant (also known as c.1286A>T), located in coding exon 7 of the PKP4 gene, results from an A to T substitution at nucleotide position 1286. The asparagine at codon 429 is replaced by isoleucine, an amino acid with dissimilar properties. This amino acid position is conserved. In addition, the in silico prediction for this alteration is inconclusive. Since supporting evidence is limited at this time, the clinical significance of this alteration remains unclear.

NM_003628.6(PKP4):c.1286A>T (p.Asn429Ile)

Gene: PKP4 (plakophilin 4; plus strand). Cytogenetic location: 2q24.1.
Variant type: single nucleotide variant.
Coding change: c.1286A>T on transcript NM_003628.6 (MANE Select); coding-DNA position 1286, A replaced by T.
Protein change: p.Asn429Ile; replaces asparagine 429 with isoleucine.
Molecular consequence: missense variant.
Genome position (GRCh38, 1-based): chr2:158,631,885, A>T. VCF-style: chr2-158631885-A-T. GRCh37 (hg19) VCF-style: chr2-159488397-A-T.
Other names: c.1286A>T, p.Asn429Ile (NM_001005476.4, NM_001304969.3, NM_001304971.2 and 6 more transcripts); c.260A>T, p.Asn87Ile (NM_001304970.3); c.1280A>T, p.Asn427Ile (NM_001377222.1, NM_001377223.1, NM_001377224.1); short protein forms N427I, N87I, N429I.
Identifiers: ClinVar variation 1768970 (VCV001768970.2), dbSNP rs2529645558, ClinGen allele CA348908361.
Genomic context (GRCh38, chr2:158,631,885, plus strand): 5'-TGCACATTACTCCTATATATGAGGGGAGGACCTATTACAGCCCAGTGTACCGCAGCCCAA[A>T]CCATGGAACTGTGGAGCTCCAAGGATCGCAGACGGCGTTGTATCGCACAGGTTCAGGTGG-3'
Protein context (NP_003619.2, residues 419-439): TYYSPVYRSP[Asn429Ile]HGTVELQGSQ